The following is an entry in ClinVar:

NM_020975.6(RET):c.1522+2T>C

Gene: RET (ret proto-oncogene; plus strand). Cytogenetic location: 10q11.21.
Variant type: single nucleotide variant.
Coding change: c.1522+2T>C on transcript NM_020975.6 (MANE Select); the canonical splice donor site of the intron after coding-DNA position 1522, T replaced by C.
Molecular consequence: splice donor variant. On other transcripts: intron variant (15).
Genome position (GRCh38, 1-based): chr10:43,111,467, T>C. VCF-style: chr10-43111467-T-C. GRCh37 (hg19) VCF-style: chr10-43606915-T-C.
Other names: c.1522+2T>C (NM_020630.7, NM_001406743.1, NM_001406744.1 and 4 more transcripts); c.1126+2T>C (NM_001406772.1, NM_001406769.1); c.1084+2T>C (NM_001406773.1, NM_001406771.1); c.626-632T>C (NM_001406782.1, NM_001406780.1, NM_001406779.1 and 3 more transcripts); c.1393+2T>C (NM_001406764.1, NM_001406762.1, NM_001406761.1 and 1 more transcripts); c.997+2T>C (NM_001406774.1); c.497-632T>C (NM_001406786.1, NM_001406783.1); c.1234+2T>C (NM_001406770.1, NM_001406766.1, NM_001406767.1); and 5 more.
Identifiers: ClinVar variation 1065971 (VCV001065971.10), dbSNP rs2132777891, ClinGen allele CA376550063.

ClinVar aggregate classification (germline): Likely pathogenic (1 of 4 stars; one submission).

Conditions:
Multiple endocrine neoplasia, type 2 (MEN2). Identifiers: Orphanet 653, MedGen C4048306, MONDO:0019003. Disease mechanism: gain of function.

Submission:

Labcorp Genetics (formerly Invitae), Labcorp
Classification: Likely pathogenic for Multiple endocrine neoplasia, type 2. Last evaluated: 2020-06-30. Review status: criteria provided, single submitter. Criteria: Invitae Variant Classification Sherloc (09022015). Collection method: clinical testing. Allele origin: germline.
Comment: This variant is not present in population databases (ExAC no frequency). This sequence change affects a donor splice site in intron 7 of the RET gene. It is expected to disrupt RNA splicing and likely results in an absent or disrupted protein product. In summary, the currently available evidence indicates that the variant is pathogenic, but additional data are needed to prove that conclusively. Therefore, this variant has been classified as Likely Pathogenic. Donor and acceptor splice site variants typically lead to a loss of protein function (PMID: 16199547), and loss-of-function variants in RET are known to be pathogenic (PMID: 22174939, 22648184). Algorithms developed to predict the effect of sequence changes on RNA splicing suggest that this variant may disrupt the consensus splice site, but this prediction has not been confirmed by published transcriptional studies. This variant has been observed in individual(s) with clinical features of Hirschsprung disease (Invitae).

Literature cited by the submitters: PubMed 16199547; PubMed 22174939; PubMed 22648184.